The following is an entry in ClinVar:

NM_000152.5(GAA):c.2758G>T (p.Gly920Cys)

Gene: GAA (alpha glucosidase; plus strand). Cytogenetic location: 17q25.3.
Variant type: single nucleotide variant.
Coding change: c.2758G>T on transcript NM_000152.5 (MANE Select); coding-DNA position 2758, G replaced by T.
Protein change: p.Gly920Cys; replaces glycine 920 with cysteine.
Molecular consequence: missense variant.
Genome position (GRCh38, 1-based): chr17:80,118,764, G>T. VCF-style: chr17-80118764-G-T. GRCh37 (hg19) VCF-style: chr17-78092563-G-T.
Other names: c.2758G>T, p.Gly920Cys (NM_001079803.3, NM_001079804.3, NM_001406741.1 and 1 more transcripts); short protein forms G920C.
Identifiers: ClinVar variation 2149258 (VCV002149258.2), dbSNP rs375021198, ClinGen allele CA401327222.
Genomic context (GRCh38, chr17:80,118,764, plus strand): 5'-CAGCTGCAGAAGGTGACTGTCCTGGGCGTGGCCACGGCGCCCCAGCAGGTCCTCTCCAAC[G>T]GTGTCCCTGTCTCCAACTTCACCTACAGCCCCGACACCAAGGCAAGAGGGCCCAGAGTGG-3'
Protein context (NP_000143.2, residues 910-930): ATAPQQVLSN[Gly920Cys]VPVSNFTYSP

ClinVar aggregate classification (germline): Uncertain significance (1 of 4 stars; one submission).

Conditions:
Glycogen storage disease, type II (IOPD). Also called: POMPE DISEASE, INFANTILE-ONSET; GLYCOGEN STORAGE DISEASE II, INFANTILE-ONSET; ACID ALPHA-GLUCOSIDASE DEFICIENCY, INFANTILE-ONSET; GAA DEFICIENCY, INFANTILE-ONSET; ACID MALTASE DEFICIENCY, INFANTILE-ONSET; CARDIOMEGALIA GLYCOGENICA DIFFUSA. Identifiers: Orphanet 365, MedGen C0017921, MONDO:0009290, OMIM 232300.

gnomAD v4.1: 5 of 1,613,388 alleles (0.00031%); highest among the groups gnomAD compares: Non-Finnish European, 0.00034%; no homozygotes.

Submission:

Labcorp Genetics (formerly Invitae), Labcorp
Classification: Uncertain significance for Glycogen storage disease, type II. Last evaluated: 2024-10-22. Review status: criteria provided, single submitter. Criteria: Invitae Variant Classification Sherloc (09022015). Collection method: clinical testing. Allele origin: germline.
Comment: This sequence change replaces glycine, which is neutral and non-polar, with cysteine, which is neutral and slightly polar, at codon 920 of the GAA protein (p.Gly920Cys). This variant is not present in population databases (gnomAD no frequency). This variant has not been reported in the literature in individuals affected with GAA-related conditions. ClinVar contains an entry for this variant (Variation ID: 2149258). Invitae Evidence Modeling of protein sequence and biophysical properties (such as structural, functional, and spatial information, amino acid conservation, physicochemical variation, residue mobility, and thermodynamic stability) has been performed for this missense variant. However, the output from this modeling did not meet the statistical confidence thresholds required to predict the impact of this variant on GAA protein function. In summary, the available evidence is currently insufficient to determine the role of this variant in disease. Therefore, it has been classified as a Variant of Uncertain Significance.